The following is an entry in ClinVar:

NM_006231.4(POLE):c.3347_3348del (p.Ser1116fs)

Gene: POLE (DNA polymerase epsilon, catalytic subunit; minus strand). Cytogenetic location: 12q24.33.
Variant type: Deletion.
Coding change: c.3347_3348del on transcript NM_006231.4 (MANE Select); coding-DNA positions 3347 to 3348, 2 bases deleted (GC; older notation c.3347_3348delGC).
Protein change: p.Ser1116fs; shifts the reading frame from serine 1116.
Molecular consequence: frameshift variant.
Genome position (GRCh38, 1-based): chr12:132,657,898-132,657,899, GC deleted on the plus strand (GC on the coding strand, the reverse complement: POLE is on the minus strand). VCF-style (leftmost placement, unchanged base first): chr12-132657897-AGC-A. GRCh37 (hg19) VCF-style: chr12-133234483-AGC-A.
Other names: short protein forms S1116fs.
Identifiers: ClinVar variation 2867453 (VCV002867453.3), dbSNP rs2542007724, ClinGen allele CA2739277435.

ClinVar aggregate classification (germline): Pathogenic (1 of 4 stars; one submission).

Submission:

Labcorp Genetics (formerly Invitae), Labcorp
Classification: Pathogenic. Last evaluated: 2022-05-11. Review status: criteria provided, single submitter. Criteria: Invitae Variant Classification Sherloc (09022015). Collection method: clinical testing. Allele origin: germline.
Comment: This sequence change creates a premature translational stop signal (p.Ser1116Ilefs*7) in the POLE gene. It is expected to result in an absent or disrupted protein product. Loss-of-function variants in POLE are known to be pathogenic (PMID: 23230001, 25948378, 30503519). For these reasons, this variant has been classified as Pathogenic. This variant has not been reported in the literature in individuals affected with POLE-related conditions. This variant is not present in population databases (gnomAD no frequency).

Literature cited by the submitters: PubMed 23230001; PubMed 25948378; PubMed 30503519.